The following is an entry in ClinVar:

ClinVar aggregate classification (germline): Uncertain significance. Review status: criteria provided, multiple submitters, no conflicts (2 of 4 stars). 2 submissions from 2 submitters: Uncertain significance (2). Last evaluated 2026-08-13.

Conditions:
Inborn genetic diseases. Identifiers: MedGen C0950123, MeSH D030342.

Submissions (2):

Ambry Genetics
Classification: Uncertain significance for Inborn genetic diseases. Last evaluated: 2026-08-13. Review status: criteria provided, single submitter. Criteria: Ambry Variant Classification Scheme 2023. Collection method: clinical testing. Allele origin: germline.
Comment: The c.1276G>A (p.G426R) alteration is located in exon 11 (coding exon 11) of the ADSSL1 gene. This alteration results from a G to A substitution at nucleotide position 1276, causing the glycine (G) at amino acid position 426 to be replaced by an arginine (R). Based on data from gnomAD, the A allele has an overall frequency of <0.001% (1/251270) total alleles studied. The highest observed frequency was 0.001% (1/113596) of European (non-Finnish) alleles. Based on insufficient or conflicting evidence, the clinical significance of this alteration remains unclear.

Labcorp Genetics (formerly Invitae), Labcorp
Classification: Uncertain significance. Last evaluated: 2023-12-11. Review status: criteria provided, single submitter. Criteria: Invitae Variant Classification Sherloc (09022015). Collection method: clinical testing. Allele origin: germline.
Comment: This sequence change replaces glycine, which is neutral and non-polar, with arginine, which is basic and polar, at codon 426 of the ADSSL1 protein (p.Gly426Arg). This variant is present in population databases (no rsID available, gnomAD 0.0009%). This variant has not been reported in the literature in individuals affected with ADSSL1-related conditions. ClinVar contains an entry for this variant (Variation ID: 1682012). An algorithm developed to predict the effect of missense changes on protein structure and function (PolyPhen-2) suggests that this variant is likely to be disruptive. In summary, the available evidence is currently insufficient to determine the role of this variant in disease. Therefore, it has been classified as a Variant of Uncertain Significance.

NM_152328.5(ADSS1):c.1147G>A (p.Gly383Arg)

Gene: ADSS1 (adenylosuccinate synthase 1; plus strand). Cytogenetic location: 14q32.33.
Variant type: single nucleotide variant.
Coding change: c.1147G>A on transcript NM_152328.5 (MANE Select); coding-DNA position 1147, G replaced by A.
Protein change: p.Gly383Arg; replaces glycine 383 with arginine.
Molecular consequence: missense variant.
Genome position (GRCh38, 1-based): chr14:104,744,885, G>A. VCF-style: chr14-104744885-G-A. GRCh37 (hg19) VCF-style: chr14-105211222-G-A.
Other names: c.532G>A, p.Gly178Arg (NM_001320424.1); c.1276G>A, p.Gly426Arg (NM_199165.2); c.1276G>A (NM_199165.1); short protein forms G178R, G383R, G426R.
Identifiers: ClinVar variation 1682012 (VCV001682012.6), dbSNP rs779161094, ClinGen allele CA391244588.